The following is an entry in ClinVar:

ClinVar aggregate classification (germline): Uncertain significance (1 of 4 stars; one submission).

Conditions:
Psoriasis 2. Identifiers: MedGen C1864497, MONDO:0011269, OMIM 602723.
Pityriasis rubra pilaris (PRP). Also called: Pityriasis rubra pilaris--familial type. Identifiers: Orphanet 2897, MedGen C0032027, MONDO:0100017, OMIM 173200, MONDO:0008251.

gnomAD v4.1: 4 of 1,613,260 alleles (0.00025%); highest among the groups gnomAD compares: Non-Finnish European, 0.00034%; no homozygotes.

Submission:

Labcorp Genetics (formerly Invitae), Labcorp
Classification: Uncertain significance for Pityriasis rubra pilaris; Psoriasis 2. Last evaluated: 2025-07-27. Review status: criteria provided, single submitter. Criteria: Invitae Variant Classification Sherloc (09022015). Collection method: clinical testing. Allele origin: germline.
Comment: This sequence change replaces proline, which is neutral and non-polar, with serine, which is neutral and polar, at codon 600 of the CARD14 protein (p.Pro600Ser). This variant is present in population databases (rs779082462, gnomAD 0.0009%). This variant has not been reported in the literature in individuals affected with CARD14-related conditions. Invitae Evidence Modeling of protein sequence and biophysical properties (such as structural, functional, and spatial information, amino acid conservation, physicochemical variation, residue mobility, and thermodynamic stability) has been performed for this missense variant. However, the output from this modeling did not meet the statistical confidence thresholds required to predict the impact of this variant on CARD14 protein function. In summary, the available evidence is currently insufficient to determine the role of this variant in disease. Therefore, it has been classified as a Variant of Uncertain Significance.

NM_001366385.1(CARD14):c.1798C>T (p.Pro600Ser)

Gene: CARD14 (caspase recruitment domain family member 14; plus strand). Cytogenetic location: 17q25.3.
Variant type: single nucleotide variant.
Coding change: c.1798C>T on transcript NM_001366385.1 (MANE Select); coding-DNA position 1798, C replaced by T.
Protein change: p.Pro600Ser; replaces proline 600 with serine.
Molecular consequence: missense variant. On other transcripts: non-coding transcript variant (1).
Genome position (GRCh38, 1-based): chr17:80,198,538, C>T. VCF-style: chr17-80198538-C-T. GRCh37 (hg19) VCF-style: chr17-78172337-C-T.
Other names: c.1798C>T, p.Pro600Ser (NM_001257970.1, NM_024110.4); c.1087C>T, p.Pro363Ser (NM_052819.3); short protein forms P600S, P363S.
Identifiers: ClinVar variation 4794327 (VCV004794327.1).
Genomic context (GRCh38, chr17:80,198,538, plus strand): 5'-CTGGAGCAGATCAGCGTCATCGGCGGGAACCTCACGGGCATCTTCATCCACCGGGTCACC[C>T]CGGGCTCGGCGGCGGACCAGATGGCCTTGCGCCCGGGCACCCAGATTGTGATGGTGAGCC-3'
Protein context (NP_001353314.1, residues 590-610): LTGIFIHRVT[Pro600Ser]GSAADQMALR